The following is an entry in ClinVar:

NM_005869.4(CWC27):c.301A>G (p.Met101Val)

Gene: CWC27 (CWC27 spliceosome associated cyclophilin; plus strand). Cytogenetic location: 5q12.3.
Variant type: single nucleotide variant.
Coding change: c.301A>G on transcript NM_005869.4 (MANE Select); coding-DNA position 301, A replaced by G.
Protein change: p.Met101Val; replaces methionine 101 with valine.
Molecular consequence: missense variant.
Genome position (GRCh38, 1-based): chr5:64,783,884, A>G. VCF-style: chr5-64783884-A-G. GRCh37 (hg19) VCF-style: chr5-64079711-A-G.
Other names: c.301A>G, p.Met101Val (NM_001297644.1, NM_001297645.2, NM_001318000.2 and 1 more transcripts); short protein forms M101V.
Identifiers: ClinVar variation 2066826 (VCV002066826.1), dbSNP rs375560494, ClinGen allele CA3281913.

ClinVar aggregate classification (germline): Uncertain significance (1 of 4 stars; one submission).

Allele frequency attached by ClinVar (database versions not stated): ExAC 0.00002; gnomAD 0.00003; ESP Exome Variant Server 0.00015.

Submission:

Labcorp Genetics (formerly Invitae), Labcorp
Classification: Uncertain significance. Last evaluated: 2022-08-23. Review status: criteria provided, single submitter. Criteria: Invitae Variant Classification Sherloc (09022015). Collection method: clinical testing. Allele origin: germline.
Comment: This sequence change replaces methionine, which is neutral and non-polar, with valine, which is neutral and non-polar, at codon 101 of the CWC27 protein (p.Met101Val). This variant is present in population databases (rs375560494, gnomAD 0.01%). This variant has not been reported in the literature in individuals affected with CWC27-related conditions. Algorithms developed to predict the effect of missense changes on protein structure and function are either unavailable or do not agree on the potential impact of this missense change (SIFT: "Deleterious"; PolyPhen-2: "Probably Damaging"; Align-GVGD: "Class C15"). In summary, the available evidence is currently insufficient to determine the role of this variant in disease. Therefore, it has been classified as a Variant of Uncertain Significance.